The following is an entry in ClinVar:

NM_001080421.3(UNC13A):c.3897G>A (p.Glu1299=)

Gene: UNC13A (unc-13 homolog A; minus strand). Cytogenetic location: 19p13.11.
Variant type: single nucleotide variant.
Coding change: c.3897G>A on transcript NM_001080421.3 (MANE Select); coding-DNA position 3897, G replaced by A.
Protein change: p.Glu1299=; no amino-acid change (glutamic acid 1299 retained).
Molecular consequence: synonymous variant.
Genome position (GRCh38, 1-based): chr19:17,627,532, C>T on the plus strand (G>A on the coding strand, the complement: UNC13A is on the minus strand). VCF-style: chr19-17627532-C-T. GRCh37 (hg19) VCF-style: chr19-17738341-C-T.
Other names: c.3891G>A, p.Glu1297= (NM_001387021.1, NM_001387023.1); c.3888G>A, p.Glu1296= (NM_001387022.1).
Identifiers: ClinVar variation 2649547 (VCV002649547.24), dbSNP rs759583825, ClinGen allele CA306089842.

ClinVar aggregate classification (germline): Likely benign (1 of 4 stars; one submission).

Allele frequency attached by ClinVar (database versions not stated): gnomAD exomes 0.00002.
gnomAD v4.1: 30 of 1,562,118 alleles (0.0019%); highest among the groups gnomAD compares: Non-Finnish European, 0.0023%; no homozygotes.

Submission:

CeGaT Center for Human Genetics Tuebingen
Classification: Likely benign. Last evaluated: 2023-01-01. Review status: criteria provided, single submitter. Criteria: CeGaT Center For Human Genetics Tuebingen Variant Classification Criteria Version 2. Collection method: clinical testing. Allele origin: germline. Affected: yes. Observed: 1 variant allele.
Comment: UNC13A: BP4, BP7